The following is an entry in ClinVar:

NM_001378454.1(ALMS1):c.2087C>A (p.Ser696Ter)

Gene: ALMS1 (ALMS1 centrosome and basal body associated protein; plus strand). Cytogenetic location: 2p13.1.
Variant type: single nucleotide variant.
Coding change: c.2087C>A on transcript NM_001378454.1 (MANE Select); coding-DNA position 2087, C replaced by A.
Protein change: p.Ser696Ter; replaces serine 696 with a stop codon.
Molecular consequence: nonsense.
Genome position (GRCh38, 1-based): chr2:73,448,614, C>A. VCF-style: chr2-73448614-C-A. GRCh37 (hg19) VCF-style: chr2-73675741-C-A.
Other names: c.2090C>A, p.Ser697Ter (NM_015120.4); short protein forms S696*, S697*.
Identifiers: ClinVar variation 863290 (VCV000863290.14), dbSNP rs1490504758, ClinGen allele CA347266627.

ClinVar aggregate classification (germline): Pathogenic. Review status: criteria provided, multiple submitters, no conflicts (2 of 4 stars). 4 submissions from 4 submitters: Pathogenic (3). 1 of the submissions does not count toward it. Last evaluated 2024-11-06.

Conditions:
Alstrom syndrome (ALMS). Identifiers: Orphanet 64, MedGen C0268425, MONDO:0008763, OMIM 203800.

Allele frequency attached by ClinVar (database versions not stated): TOPMed below 0.00001; gnomAD 0.00001.
gnomAD v4.1: 5 of 1,613,902 alleles (0.00031%); highest among the groups gnomAD compares: East Asian, 0.011%; no homozygotes.

Submissions (4):

GeneDx
Classification: Pathogenic. Last evaluated: 2024-11-06. Review status: criteria provided, single submitter. Criteria: GeneDx Variant Classification Process June 2021. Collection method: clinical testing. Allele origin: germline. Affected: yes.
Comment: Nonsense variant predicted to result in protein truncation or nonsense mediated decay in a gene for which loss of function is a known mechanism of disease; Not observed at a significant frequency in large population cohorts (gnomAD); This variant is associated with the following publications: (PMID: 26992781, 27375279, 26010121, 26047050, 35211159, 36206858, 36685911, 24049434)

Labcorp Genetics (formerly Invitae), Labcorp
Classification: Pathogenic for Alstrom syndrome. Last evaluated: 2024-04-25. Review status: criteria provided, single submitter. Criteria: Invitae Variant Classification Sherloc (09022015). Collection method: clinical testing. Allele origin: germline.
Comment: This sequence change creates a premature translational stop signal (p.Ser697*) in the ALMS1 gene. It is expected to result in an absent or disrupted protein product. Loss-of-function variants in ALMS1 are known to be pathogenic (PMID: 17594715). This variant is present in population databases (no rsID available, gnomAD 0.01%). This premature translational stop signal has been observed in individuals with Alstrom syndrome (PMID: 24049434, 26047050). It has also been observed to segregate with disease in related individuals. This variant is also known as p.Ser695*. ClinVar contains an entry for this variant (Variation ID: 863290). For these reasons, this variant has been classified as Pathogenic.

Juno Genomics, Hangzhou Juno Genomics, Inc
Classification: Pathogenic for Alstrom syndrome. Review status: criteria provided, single submitter. Criteria: ACMG Guidelines, 2015. Collection method: clinical testing. Allele origin: germline.
Comment: Absent from controls (or at extremely low frequency if recessive) in Genome Aggregation Database.;Null variant in a gene where loss of function (LOF) is a known mechanism of disease.;For recessive disorders, detected in trans with a pathogenic variant.

Natera, Inc.
Classification: Pathogenic for Alstrom syndrome. Last evaluated: 2020-07-13. Review status: no assertion criteria provided. Collection method: clinical testing. Allele origin: germline. Not counted in ClinVar's aggregate classification.

Literature cited by the submitters: PubMed 17594715 (cited by Labcorp Genetics (formerly Invitae), Labcorp); PubMed 24049434 (cited by Labcorp Genetics (formerly Invitae), Labcorp); PubMed 26047050 (cited by Labcorp Genetics (formerly Invitae), Labcorp).